The following is an entry in ClinVar:

ClinVar aggregate classification (germline): Uncertain significance. Review status: criteria provided, multiple submitters, no conflicts (2 of 4 stars). 5 submissions from 5 submitters: Uncertain significance (5). Last evaluated 2025-05-18.

Conditions:
Hereditary cancer-predisposing syndrome. Also called: Hereditary neoplastic syndrome; Hereditary Cancer Syndrome; Tumor predisposition; Neoplastic Syndromes, Hereditary. Identifiers: Orphanet 140162, MedGen C0027672, MeSH D009386, MONDO:0015356.

Allele frequency attached by ClinVar (database versions not stated): gnomAD exomes below 0.00001 and 0.00001.
gnomAD v4.1: 16 of 1,614,186 alleles (0.00099%); highest among the groups gnomAD compares: Non-Finnish European, 0.0014%; no homozygotes.

Submissions (5):

Ambry Genetics
Classification: Uncertain significance for Hereditary cancer-predisposing syndrome. Last evaluated: 2025-05-18. Review status: criteria provided, single submitter. Criteria: Ambry Variant Classification Scheme 2023. Collection method: clinical testing. Allele origin: germline.
Comment: The p.E1253Q variant (also known as c.3757G>C), located in coding exon 30 of the POLE gene, results from a G to C substitution at nucleotide position 3757. The glutamic acid at codon 1253 is replaced by glutamine, an amino acid with highly similar properties. This amino acid position is conserved. In addition, this alteration is predicted to be tolerated by in silico analysis. Since supporting evidence is limited at this time, the clinical significance of this alteration remains unclear.

Labcorp Genetics (formerly Invitae), Labcorp
Classification: Uncertain significance. Last evaluated: 2025-04-21. Review status: criteria provided, single submitter. Criteria: Invitae Variant Classification Sherloc (09022015). Collection method: clinical testing. Allele origin: germline.
Comment: This sequence change replaces glutamic acid, which is acidic and polar, with glutamine, which is neutral and polar, at codon 1253 of the POLE protein (p.Glu1253Gln). This variant is present in population databases (no rsID available, gnomAD 0.0009%). This variant has not been reported in the literature in individuals affected with POLE-related conditions. ClinVar contains an entry for this variant (Variation ID: 640363). Invitae Evidence Modeling of protein sequence and biophysical properties (such as structural, functional, and spatial information, amino acid conservation, physicochemical variation, residue mobility, and thermodynamic stability) indicates that this missense variant is not expected to disrupt POLE protein function with a negative predictive value of 80%. In summary, the available evidence is currently insufficient to determine the role of this variant in disease. Therefore, it has been classified as a Variant of Uncertain Significance.

GeneDx
Classification: Uncertain significance. Last evaluated: 2024-07-08. Review status: criteria provided, single submitter. Criteria: GeneDx Variant Classification Process June 2021. Collection method: clinical testing. Allele origin: germline.
Comment: Not observed at significant frequency in large population cohorts (gnomAD); In silico analysis indicates that this missense variant does not alter protein structure/function; Has not been previously published as pathogenic or benign to our knowledge

Blueprint Genetics
Classification: Uncertain significance. Last evaluated: 2022-11-07. Review status: criteria provided, single submitter. Criteria: ACMG Guidelines, 2015. Collection method: clinical testing. Allele origin: germline.

Mayo Clinic Laboratories, Mayo Clinic
Classification: Uncertain significance. Last evaluated: 2022-09-28. Review status: criteria provided, single submitter. Criteria: ACMG Guidelines, 2015. Collection method: clinical testing. Allele origin: germline. Observed: 1 variant allele.
Comment: BP4, PM2

NM_006231.4(POLE):c.3757G>C (p.Glu1253Gln)

Gene: POLE (DNA polymerase epsilon, catalytic subunit; minus strand). Cytogenetic location: 12q24.33.
Variant type: single nucleotide variant.
Coding change: c.3757G>C on transcript NM_006231.4 (MANE Select); coding-DNA position 3757, G replaced by C.
Protein change: p.Glu1253Gln; replaces glutamic acid 1253 with glutamine.
Molecular consequence: missense variant.
Genome position (GRCh38, 1-based): chr12:132,649,715, C>G on the plus strand (G>C on the coding strand, the complement: POLE is on the minus strand). VCF-style: chr12-132649715-C-G. GRCh37 (hg19) VCF-style: chr12-133226301-C-G.
Other names: p.Glu1253Gln; short protein forms E1253Q.
Identifiers: ClinVar variation 640363 (VCV000640363.17), dbSNP rs1184564186, ClinGen allele CA387386112.